The following is an entry in ClinVar:

NM_000257.4(MYH7):c.2288T>G (p.Val763Gly)

Genes: MYH7 (myosin heavy chain 7; minus strand), LOC126861898 (BRD4-independent group 4 enhancer GRCh37_chr14:23893609-23894808; plus strand). Cytogenetic location: 14q11.2.
Variant type: single nucleotide variant.
Coding change: c.2288T>G on transcript NM_000257.4 (MANE Select); coding-DNA position 2288, T replaced by G.
Protein change: p.Val763Gly; replaces valine 763 with glycine.
Molecular consequence: missense variant.
Genome position (GRCh38, 1-based): chr14:23,425,417, A>C on the plus strand (T>G on the coding strand, the complement: MYH7 is on the minus strand). VCF-style: chr14-23425417-A-C. GRCh37 (hg19) VCF-style: chr14-23894626-A-C.
Other names: p.V763G:GTG>GGG; c.2288T>G (LRG_384t1); short protein forms V763G.
Identifiers: ClinVar variation 181179 (VCV000181179.11), dbSNP rs730880735, ClinGen allele CA012082.
Genomic context (GRCh38, chr14:23,425,417, plus strand): 5'-CGGCTCAGCCTCTCGTCCCTCATTTCCTCCAGCAGCCCCAGCAGCCCGGCCTTGAAGAAC[A>C]CCTGCAGGCAAGGTGTGTGTTGGCCATGACTAGGGAGGGGTACGAGGGAAAGAGATGGTG-3'
Protein context (NP_000248.2, residues 753-773): HNQYKFGHTK[Val763Gly]FFKAGLLGLL

ClinVar aggregate classification (germline): Conflicting classifications of pathogenicity. Review status: criteria provided, conflicting classifications (1 of 4 stars). 2 submissions from 2 submitters: Likely pathogenic (1); Uncertain significance (1). Last evaluated 2022-05-27.

Conditions:
Hypertrophic cardiomyopathy. Also called: HYPERTROPHIC MYOCARDIOPATHY. Identifiers: Orphanet 217569, MedGen C0007194, MeSH D002312, MONDO:0005045, HP:0001639.

Submissions (2):

Labcorp Genetics (formerly Invitae), Labcorp
Classification: Likely pathogenic for Hypertrophic cardiomyopathy. Last evaluated: 2022-05-27. Review status: criteria provided, single submitter. Criteria: Invitae Variant Classification Sherloc (09022015). Collection method: clinical testing. Allele origin: germline.
Comment: In summary, the currently available evidence indicates that the variant is pathogenic, but additional data are needed to prove that conclusively. Therefore, this variant has been classified as Likely Pathogenic. This sequence change replaces valine, which is neutral and non-polar, with glycine, which is neutral and non-polar, at codon 763 of the MYH7 protein (p.Val763Gly). This variant is not present in population databases (gnomAD no frequency). This missense change has been observed in individuals with hypertrophic cardiomyopathy (PMID: 12820698, 32894683; Invitae). ClinVar contains an entry for this variant (Variation ID: 181179). Algorithms developed to predict the effect of missense changes on protein structure and function (SIFT, PolyPhen-2, Align-GVGD) all suggest that this variant is likely to be disruptive. This variant is found within a region of MYH7 between codons 181 and 937 that contains the majority of the myosin head domain. Missense variants in this region have been shown to be significantly overrepresented in individuals with hypertrophic cardiomyopathy (PMID: 27532257).

GeneDx
Classification: Uncertain significance. Last evaluated: 2018-01-16. Review status: criteria provided, single submitter. Criteria: GeneDx Variant Classification (06012015). Collection method: clinical testing. Allele origin: germline. Affected: yes.
Comment: The V763G variant of uncertain significance in the MYH7 gene has been previously reported in association with cardiomyopathy (Mohiddin et al., 2003; Bos et al., 2014). V763G was identified in one individual with asymmetric septal hypertrophy and in this individualâ€™s sibling who had DCM and heart failure as a teenager (Mohiddin et al., 2003). The V763G variant is not observed in large population cohorts (Lek et al., 2016). The V763G variant is a conservative amino acid substitution, which is not likely to impact secondary protein structure as these residues share similar properties. However, in-silico analyses, including protein predictors and evolutionary conservation, support a deleterious effect. The V763G variant lacks observation in a significant number of affected individuals, segregation data, and functional evidence, which would further clarify its pathogenicity.

Literature cited by the submitters: PubMed 12820698 (cited by Labcorp Genetics (formerly Invitae), Labcorp); PubMed 32894683 (cited by Labcorp Genetics (formerly Invitae), Labcorp); PubMed 27532257 (cited by Labcorp Genetics (formerly Invitae), Labcorp).